The following is an entry in ClinVar:

ClinVar aggregate classification (germline): Uncertain significance (1 of 4 stars; one submission).

Conditions:
Ehlers-Danlos syndrome, type 4 (EDSVASC). Also called: Ehlers-Danlos syndrome vascular type; Ehlers Danlos syndrome, ecchymotic type; Ehlers Danlos syndrome, arterial type; Ehlers Danlos syndrome, Sack-Barabas type; Ehlers-Danlos Syndrome Type IV. Identifiers: Orphanet 286, MedGen C0268338, MONDO:0017314, OMIM 130050.

Submission:

Labcorp Genetics (formerly Invitae), Labcorp
Classification: Uncertain significance for Ehlers-Danlos syndrome, type 4. Last evaluated: 2018-03-23. Review status: criteria provided, single submitter. Criteria: Invitae Variant Classification Sherloc (09022015). Collection method: clinical testing. Allele origin: germline.
Comment: In summary, the available evidence is currently insufficient to determine the role of this variant in disease. Therefore, it has been classified as a Variant of Uncertain Significance. Algorithms developed to predict the effect of missense changes on protein structure and function do not agree on the potential impact of this missense change (SIFT: "Deleterious"; PolyPhen-2: "Possible Damaging"; Align-GVGD: "Class C0"). This variant has not been reported in the literature in individuals with COL3A1-related disease. This variant is not present in population databases (ExAC no frequency). This sequence change replaces serine with threonine at codon 1177 of the COL3A1 protein (p.Ser1177Thr). The serine residue is highly conserved and there is a small physicochemical difference between serine and threonine.

NM_000090.4(COL3A1):c.3529T>A (p.Ser1177Thr)

Gene: COL3A1 (collagen type III alpha 1 chain; plus strand). Cytogenetic location: 2q32.2.
Variant type: single nucleotide variant.
Coding change: c.3529T>A on transcript NM_000090.4 (MANE Select); coding-DNA position 3529, T replaced by A.
Protein change: p.Ser1177Thr; replaces serine 1177 with threonine.
Molecular consequence: missense variant.
Genome position (GRCh38, 1-based): chr2:189,008,927, T>A. VCF-style: chr2-189008927-T-A. GRCh37 (hg19) VCF-style: chr2-189873653-T-A.
Other names: short protein forms S1177T.
Identifiers: ClinVar variation 1035146 (VCV001035146.9), dbSNP rs1006132401, ClinGen allele CA349846582.
Genomic context (GRCh38, chr2:189,008,927, plus strand): 5'-TCTTAGAGTGGCGACTGAATGTGCATACCTCAATGATCCATGTTTTACTCATTCTAGGGC[T>A]CCCCAGGCCACCCAGGGCAACCAGGCCCTCCTGGACCTCCTGGTGCCCCTGGTCCTTGCT-3'
Protein context (NP_000081.2, residues 1167-1187): GNRGERGSEG[Ser1177Thr]PGHPGQPGPP